The following is an entry in ClinVar:

ClinVar aggregate classification (germline): Uncertain significance (1 of 4 stars; one submission).

Conditions:
MGAT2-congenital disorder of glycosylation. Also called: Congenital disorder of glycosylation, type IIa; CDG IIa; MENTAL RETARDATION, GROWTH RETARDATION, PROMINENT COLUMELLA, AND OPEN MOUTH; Alkuraya syndrome; MGAT2-CDG. Identifiers: Orphanet 79329, MedGen C2931008, MONDO:0008908, OMIM 212066.

Submission:

Labcorp Genetics (formerly Invitae), Labcorp
Classification: Uncertain significance for MGAT2-congenital disorder of glycosylation. Last evaluated: 2022-07-30. Review status: criteria provided, single submitter. Criteria: Invitae Variant Classification Sherloc (09022015). Collection method: clinical testing. Allele origin: germline.
Comment: In summary, the available evidence is currently insufficient to determine the role of this variant in disease. Therefore, it has been classified as a Variant of Uncertain Significance. Algorithms developed to predict the effect of missense changes on protein structure and function output the following: SIFT: "Tolerated"; PolyPhen-2: "Benign"; Align-GVGD: "Class C0". The leucine amino acid residue is found in multiple mammalian species, which suggests that this missense change does not adversely affect protein function. This variant has not been reported in the literature in individuals affected with MGAT2-related conditions. This variant is not present in population databases (gnomAD no frequency). This sequence change replaces phenylalanine, which is neutral and non-polar, with leucine, which is neutral and non-polar, at codon 272 of the MGAT2 protein (p.Phe272Leu).

NM_002408.4(MGAT2):c.814T>C (p.Phe272Leu)

Gene: MGAT2 (alpha-1,6-mannosyl-glycoprotein 2-beta-N-acetylglucosaminyltransferase; plus strand). Cytogenetic location: 14q21.3.
Variant type: single nucleotide variant.
Coding change: c.814T>C on transcript NM_002408.4 (MANE Select); coding-DNA position 814, T replaced by C.
Protein change: p.Phe272Leu; replaces phenylalanine 272 with leucine.
Molecular consequence: missense variant.
Genome position (GRCh38, 1-based): chr14:49,622,082, T>C. VCF-style: chr14-49622082-T-C. GRCh37 (hg19) VCF-style: chr14-50088800-T-C.
Other names: short protein forms F272L.
Identifiers: ClinVar variation 1951756 (VCV001951756.5), dbSNP rs2502743963, ClinGen allele CA389620582.